The following is an entry in ClinVar:

ClinVar aggregate classification (germline): Uncertain significance (1 of 4 stars; one submission).

Conditions:
Familial cancer of breast. Also called: BREAST CANCER, FAMILIAL; Hereditary breast cancer; hereditary breast carcinoma. Identifiers: Orphanet 227535, MedGen C0346153, MONDO:0016419, OMIM 114480. Disease mechanism: loss of function.

Allele frequency attached by ClinVar (database versions not stated): gnomAD exomes below 0.00001.
gnomAD v4.1: 4 of 1,614,000 alleles (0.00025%); highest among the groups gnomAD compares: Non-Finnish European, 0.00034%; no homozygotes.

Submission:

Labcorp Genetics (formerly Invitae), Labcorp
Classification: Uncertain significance for Familial cancer of breast. Last evaluated: 2023-05-01. Review status: criteria provided, single submitter. Criteria: Invitae Variant Classification Sherloc (09022015). Collection method: clinical testing. Allele origin: germline.
Comment: This variant has not been reported in the literature in individuals affected with CHEK2-related conditions. In summary, the available evidence is currently insufficient to determine the role of this variant in disease. Therefore, it has been classified as a Variant of Uncertain Significance. An algorithm developed to predict the effect of missense changes on protein structure and function (PolyPhen-2) suggests that this variant is likely to be disruptive. ClinVar contains an entry for this variant (Variation ID: 568672). This variant is not present in population databases (gnomAD no frequency). This sequence change replaces serine, which is neutral and polar, with threonine, which is neutral and polar, at codon 42 of the CHEK2 protein (p.Ser42Thr).

NM_007194.4(CHEK2):c.124T>A (p.Ser42Thr)

Gene: CHEK2 (checkpoint kinase 2; minus strand). Cytogenetic location: 22q12.1.
Variant type: single nucleotide variant.
Coding change: c.124T>A on transcript NM_007194.4 (MANE Select); coding-DNA position 124, T replaced by A.
Protein change: p.Ser42Thr; replaces serine 42 with threonine.
Molecular consequence: missense variant.
Genome position (GRCh38, 1-based): chr22:28,734,598, A>T on the plus strand (T>A on the coding strand, the complement: CHEK2 is on the minus strand). VCF-style: chr22-28734598-A-T. GRCh37 (hg19) VCF-style: chr22-29130586-A-T.
Other names: c.124T>A, p.Ser42Thr (NM_001005735.3, NM_001349956.3, NM_145862.3); c.-654T>A (NM_001257387.3); short protein forms S42T.
Identifiers: ClinVar variation 568672 (VCV000568672.9), dbSNP rs1569171191, ClinGen allele CA411091307.